The following is an entry in ClinVar:

NM_014915.3(ANKRD26):c.2735A>G (p.His912Arg)

Gene: ANKRD26 (ankyrin repeat domain 26; minus strand). Cytogenetic location: 10p12.1.
Variant type: single nucleotide variant.
Coding change: c.2735A>G on transcript NM_014915.3 (MANE Select); coding-DNA position 2735, A replaced by G.
Protein change: p.His912Arg; replaces histidine 912 with arginine.
Molecular consequence: missense variant.
Genome position (GRCh38, 1-based): chr10:27,035,715, T>C on the plus strand (A>G on the coding strand, the complement: ANKRD26 is on the minus strand). VCF-style: chr10-27035715-T-C. GRCh37 (hg19) VCF-style: chr10-27324644-T-C.
Other names: c.2732A>G, p.His911Arg (NM_001256053.2); short protein forms H911R, H912R.
Identifiers: ClinVar variation 3709610 (VCV003709610.4).

ClinVar aggregate classification (germline): Uncertain significance. Review status: criteria provided, multiple submitters, no conflicts (2 of 4 stars). 3 submissions from 3 submitters: Uncertain significance (3). Last evaluated 2025-07-21.

Conditions:
Inborn genetic diseases. Identifiers: MedGen C0950123, MeSH D030342.

gnomAD v4.1: 17 of 1,607,340 alleles (0.0011%); highest among the groups gnomAD compares: Admixed American, 0.026%; no homozygotes.

Submissions (3):

Labcorp Genetics (formerly Invitae), Labcorp
Classification: Uncertain significance. Last evaluated: 2025-07-21. Review status: criteria provided, single submitter. Criteria: Invitae Variant Classification Sherloc (09022015). Collection method: clinical testing. Allele origin: germline.
Comment: This sequence change replaces histidine, which is basic and polar, with arginine, which is basic and polar, at codon 912 of the ANKRD26 protein (p.His912Arg). This variant is present in population databases (rs756378669, gnomAD 0.03%), and has an allele count higher than expected for a pathogenic variant. This variant has not been reported in the literature in individuals affected with ANKRD26-related conditions. ClinVar contains an entry for this variant (Variation ID: 3709610). An algorithm developed to predict the effect of missense changes on protein structure and function outputs the following: PolyPhen-2: "Possibly Damaging". The arginine amino acid residue is found in multiple mammalian species, which suggests that this missense change does not adversely affect protein function. In summary, the available evidence is currently insufficient to determine the role of this variant in disease. Therefore, it has been classified as a Variant of Uncertain Significance.

Ambry Genetics
Classification: Uncertain significance for Inborn genetic diseases. Last evaluated: 2025-01-10. Review status: criteria provided, single submitter. Criteria: Ambry Variant Classification Scheme 2023. Collection method: clinical testing. Allele origin: germline.
Comment: The p.H912R variant (also known as c.2735A>G), located in coding exon 24 of the ANKRD26 gene, results from an A to G substitution at nucleotide position 2735. The histidine at codon 912 is replaced by arginine, an amino acid with highly similar properties. This amino acid position is conserved. In addition, this alteration is predicted to be tolerated by in silico analysis. Based on the available evidence, the clinical significance of this variant remains unclear.

Blueprint Genetics
Classification: Uncertain significance. Last evaluated: 2024-01-18. Review status: criteria provided, single submitter. Criteria: ACMG Guidelines, 2015. Collection method: clinical testing. Allele origin: germline.